The following is an entry in ClinVar:

NM_001042492.3(NF1):c.3011A>T (p.Asn1004Ile)

Gene: NF1 (neurofibromin 1; plus strand). Cytogenetic location: 17q11.2.
Variant type: single nucleotide variant.
Coding change: c.3011A>T on transcript NM_001042492.3 (MANE Select); coding-DNA position 3011, A replaced by T.
Protein change: p.Asn1004Ile; replaces asparagine 1004 with isoleucine.
Molecular consequence: missense variant.
Genome position (GRCh38, 1-based): chr17:31,230,280, A>T. VCF-style: chr17-31230280-A-T. GRCh37 (hg19) VCF-style: chr17-29557298-A-T.
Other names: c.3011A>T, p.Asn1004Ile (NM_000267.4); short protein forms N1004I.
Identifiers: ClinVar variation 4022496 (VCV004022496.1).

ClinVar aggregate classification (germline): Uncertain significance (1 of 4 stars; one submission).

Conditions:
Cardiovascular phenotype. Identifiers: MedGen CN230736.
Hereditary cancer-predisposing syndrome. Also called: Tumor predisposition; Hereditary neoplastic syndrome; Neoplastic Syndromes, Hereditary; Hereditary Cancer Syndrome. Identifiers: Orphanet 140162, MedGen C0027672, MeSH D009386, MONDO:0015356.

Submission:

Ambry Genetics
Classification: Uncertain significance for Cardiovascular phenotype; Hereditary cancer-predisposing syndrome. Last evaluated: 2025-04-14. Review status: criteria provided, single submitter. Criteria: Ambry Variant Classification Scheme 2023. Collection method: clinical testing. Allele origin: germline.
Comment: The p.N1004I variant (also known as c.3011A>T), located in coding exon 23 of the NF1 gene, results from an A to T substitution at nucleotide position 3011. The asparagine at codon 1004 is replaced by isoleucine, an amino acid with dissimilar properties. This amino acid position is conserved. In addition, the in silico prediction for this alteration is inconclusive. Based on the available evidence, the clinical significance of this variant remains unclear.